The following is an entry in ClinVar:

ClinVar aggregate classification (germline): Uncertain significance. Review status: criteria provided, multiple submitters, no conflicts (2 of 4 stars). 4 submissions from 4 submitters: Uncertain significance (4). Last evaluated 2025-09-21.

Conditions:
Neuroblastoma, susceptibility to, 3. Also called: ALK-Related Neuroblastic Tumor Susceptibility. Identifiers: Orphanet 635, MedGen C2751681, MONDO:0013083, OMIM 613014.
Hereditary cancer-predisposing syndrome. Also called: Hereditary neoplastic syndrome; Neoplastic Syndromes, Hereditary; Tumor predisposition; Hereditary Cancer Syndrome. Identifiers: Orphanet 140162, MedGen C0027672, MeSH D009386, MONDO:0015356.

Allele frequency attached by ClinVar (database versions not stated): gnomAD exomes below 0.00001; ExAC 0.00001.
gnomAD v4.1: 2 of 1,613,928 alleles (0.00012%); highest among the groups gnomAD compares: Middle Eastern, 0.033%; no homozygotes.

Submissions (4):

Labcorp Genetics (formerly Invitae), Labcorp
Classification: Uncertain significance for Neuroblastoma, susceptibility to, 3. Last evaluated: 2025-09-21. Review status: criteria provided, single submitter. Criteria: Invitae Variant Classification Sherloc (09022015). Collection method: clinical testing. Allele origin: germline.
Comment: This sequence change replaces serine, which is neutral and polar, with glycine, which is neutral and non-polar, at codon 175 of the ALK protein (p.Ser175Gly). This variant is present in population databases (rs767019998, gnomAD no frequency). This variant has not been reported in the literature in individuals affected with ALK-related conditions. ClinVar contains an entry for this variant (Variation ID: 470889). An algorithm developed to predict the effect of missense changes on protein structure and function (PolyPhen-2) suggests that this variant is likely to be tolerated. In summary, the available evidence is currently insufficient to determine the role of this variant in disease. Therefore, it has been classified as a Variant of Uncertain Significance.

Ambry Genetics
Classification: Uncertain significance for Hereditary cancer-predisposing syndrome. Last evaluated: 2024-09-25. Review status: criteria provided, single submitter. Criteria: Ambry Variant Classification Scheme 2023. Collection method: clinical testing. Allele origin: germline.
Comment: The p.S175G variant (also known as c.523A>G), located in coding exon 1 of the ALK gene, results from an A to G substitution at nucleotide position 523. The serine at codon 175 is replaced by glycine, an amino acid with similar properties. This amino acid position is conserved. In addition, this alteration is predicted to be tolerated by in silico analysis. Since supporting evidence is limited at this time, the clinical significance of this alteration remains unclear.

Fulgent Genetics
Classification: Uncertain significance for Neuroblastoma, susceptibility to, 3. Last evaluated: 2024-05-23. Review status: criteria provided, single submitter. Criteria: ACMG Guidelines, 2015. Collection method: clinical testing. Allele origin: germline.

Sema4
Classification: Uncertain significance for Hereditary cancer-predisposing syndrome. Last evaluated: 2021-05-10. Review status: criteria provided, single submitter. Criteria: Sema4 Curation Guidelines. Collection method: curation. Allele origin: germline.
Comment: The ALK c.523A>G (p.S175G) variant has not been reported in the literature to our knowledge. It was observed in 1/113206 chromosomes of the Non-Finnish European subpopulation in the large and broad cohorts of the Genome Aggregation Database (PMID: 32461654). This variant has been reported in ClinVar (Variation ID 470889). In silico tools suggest the impact of the variant on protein function is benign, though these predictions have not been confirmed by functional studies. The overall evidence is insufficient to meet ACMG/AMP criteria for classifying it as benign or pathogenic. In summary, the clinical significance of this variant is currently uncertain.

NM_004304.5(ALK):c.523A>G (p.Ser175Gly)

Gene: ALK (ALK receptor tyrosine kinase; minus strand). Cytogenetic location: 2p23.1.
Variant type: single nucleotide variant.
Coding change: c.523A>G on transcript NM_004304.5 (MANE Select); coding-DNA position 523, A replaced by G.
Protein change: p.Ser175Gly; replaces serine 175 with glycine.
Molecular consequence: missense variant.
Genome position (GRCh38, 1-based): chr2:29,920,137, T>C on the plus strand (A>G on the coding strand, the complement: ALK is on the minus strand). VCF-style: chr2-29920137-T-C. GRCh37 (hg19) VCF-style: chr2-30143003-T-C.
Other names: short protein forms S175G.
Identifiers: ClinVar variation 470889 (VCV000470889.15), dbSNP rs767019998, ClinGen allele CA1594945.
Genomic context (GRCh38, chr2:29,920,137, plus strand): 5'-CCTTCTTCTCGGGCATCAGGCGGATCCTCAGTCGCCCTTCGCCTTGGCGAATCCACCAAC[T>C]GAACAGCTCGCTGAGATTGAACTGGAGCAGCCCCACAGCCGCCTCCCCGGGGGGCCCGAC-3'
Protein context (NP_004295.2, residues 165-185): LLQFNLSELF[Ser175Gly]WWIRQGEGRL